The following is an entry in ClinVar:

NM_016203.4(PRKAG2):c.194G>T (p.Ser65Ile)

Gene: PRKAG2 (protein kinase AMP-activated non-catalytic subunit gamma 2; minus strand). Cytogenetic location: 7q36.1.
Variant type: single nucleotide variant.
Coding change: c.194G>T on transcript NM_016203.4 (MANE Select); coding-DNA position 194, G replaced by T.
Protein change: p.Ser65Ile; replaces serine 65 with isoleucine.
Molecular consequence: missense variant. On other transcripts: intron variant (1).
Genome position (GRCh38, 1-based): chr7:151,781,424, C>A on the plus strand (G>T on the coding strand, the complement: PRKAG2 is on the minus strand). VCF-style: chr7-151781424-C-A. GRCh37 (hg19) VCF-style: chr7-151478510-C-A.
Other names: c.62G>T, p.Ser21Ile (NM_001040633.2, NM_001407024.1, NM_001407026.1 and 2 more transcripts); c.194G>T, p.Ser65Ile (NM_001407021.1, NM_001407022.1, NM_001407023.1 and 2 more transcripts); c.148+32992G>T (NM_001407032.1); short protein forms S21I, S65I.
Identifiers: ClinVar variation 3425023 (VCV003425023.1).
Genomic context (GRCh38, chr7:151,781,424, plus strand): 5'-GGCCGGGGCTGGGGGCCTCTGGAGAAGAACCCTTTGGAGGGGCTGCCCGGGCCGAAGGGG[C>A]TGTCCACCTGCAGAAAAACAGACGAATGGATGCAGTCACTCCACGCTCTGGACACGCTGC-3'
Protein context (NP_057287.2, residues 55-75): SGKHSSRKVD[Ser65Ile]PFGPGSPSKG

ClinVar aggregate classification (germline): Uncertain significance (1 of 4 stars; one submission).

Conditions:
Cardiovascular phenotype. Identifiers: MedGen CN230736.

gnomAD v4.1: 2 of 1,605,798 alleles (0.00012%); highest among the groups gnomAD compares: Middle Eastern, 0.018%; no homozygotes.

Submission:

Ambry Genetics
Classification: Uncertain significance for Cardiovascular phenotype. Last evaluated: 2024-06-27. Review status: criteria provided, single submitter. Criteria: Ambry Variant Classification Scheme 2023. Collection method: clinical testing. Allele origin: germline.
Comment: The p.S65I variant (also known as c.194G>T), located in coding exon 3 of the PRKAG2 gene, results from a G to T substitution at nucleotide position 194. The serine at codon 65 is replaced by isoleucine, an amino acid with dissimilar properties. This amino acid position is conserved. In addition, this alteration is predicted to be tolerated by in silico analysis. Based on the available evidence, the clinical significance of this variant remains unclear.